The following is an entry in ClinVar:

ClinVar aggregate classification (germline): Likely benign. Review status: criteria provided, single submitter (1 of 4 stars). 2 submissions from 2 submitters: Likely benign (1). 1 of the submissions does not count toward it. Last evaluated 2026-01-05.

Conditions:
SLC9A3-related disorder. Also called: SLC9A3-related condition.

Allele frequency attached by ClinVar (database versions not stated): ExAC 0.00013; ESP Exome Variant Server 0.00015; gnomAD exomes 0.00015 and 0.00031; TOPMed 0.00017; gnomAD 0.00018 and 0.00023; 1000 Genomes Project 0.00020; 1000 Genomes Project 30x 0.00047.
gnomAD v4.1: 485 of 1,613,306 alleles (0.03%); highest among the groups gnomAD compares: East Asian, 0.28%; 1 homozygote.

Submissions (2):

Labcorp Genetics (formerly Invitae), Labcorp
Classification: Likely benign. Last evaluated: 2026-01-05. Review status: criteria provided, single submitter. Criteria: Invitae Variant Classification Sherloc (09022015). Collection method: clinical testing. Allele origin: germline.

PreventionGenetics, part of Exact Sciences
Classification: Likely benign for SLC9A3-related condition. Last evaluated: 2019-05-20. Review status: no assertion criteria provided. Collection method: clinical testing. Allele origin: germline. Not counted in ClinVar's aggregate classification.
Comment: This variant is classified as likely benign based on ACMG/AMP sequence variant interpretation guidelines (Richards et al. 2015 PMID: 25741868, with internal and published modifications).

NM_004174.4(SLC9A3):c.843T>C (p.His281=)

Gene: SLC9A3 (solute carrier family 9 member A3). Cytogenetic location: 5p15.33.
Variant type: single nucleotide variant.
Coding change: c.843T>C on transcript NM_004174.4 (MANE Select); coding-DNA position 843, T replaced by C.
Protein change: p.His281=; no amino-acid change (histidine 281 retained).
Molecular consequence: synonymous variant.
Genome position (GRCh38, 1-based): chr5:484,609, A>G on the plus strand (T>C on the coding strand, the complement: SLC9A3 is on the minus strand). VCF-style: chr5-484609-A-G. GRCh37 (hg19) VCF-style: chr5-484724-A-G.
Other names: c.843T>C, p.His281= (NM_001284351.3).
Identifiers: ClinVar variation 798939 (VCV000798939.11), dbSNP rs62331635, ClinGen allele CA3176166.